The following is an entry in ClinVar:

NM_000257.4(MYH7):c.473C>G (p.Ser158Cys)

Gene: MYH7 (myosin heavy chain 7; minus strand). Cytogenetic location: 14q11.2.
Variant type: single nucleotide variant.
Coding change: c.473C>G on transcript NM_000257.4 (MANE Select); coding-DNA position 473, C replaced by G.
Protein change: p.Ser158Cys; replaces serine 158 with cysteine.
Molecular consequence: missense variant.
Genome position (GRCh38, 1-based): chr14:23,432,668, G>C on the plus strand (C>G on the coding strand, the complement: MYH7 is on the minus strand). VCF-style: chr14-23432668-G-C. GRCh37 (hg19) VCF-style: chr14-23901877-G-C.
Other names: c.473C>G, p.Ser158Cys (NM_001407004.1); short protein forms S158C.
Identifiers: ClinVar variation 3630694 (VCV003630694.2).

ClinVar aggregate classification (germline): Uncertain significance (1 of 4 stars; one submission).

Conditions:
Hypertrophic cardiomyopathy. Also called: HYPERTROPHIC MYOCARDIOPATHY. Identifiers: Orphanet 217569, MedGen C0007194, MeSH D002312, MONDO:0005045, HP:0001639.

Submission:

Labcorp Genetics (formerly Invitae), Labcorp
Classification: Uncertain significance for Hypertrophic cardiomyopathy. Last evaluated: 2024-05-15. Review status: criteria provided, single submitter. Criteria: Invitae Variant Classification Sherloc (09022015). Collection method: clinical testing. Allele origin: germline.
Comment: This sequence change replaces serine, which is neutral and polar, with cysteine, which is neutral and slightly polar, at codon 158 of the MYH7 protein (p.Ser158Cys). This variant is not present in population databases (gnomAD no frequency). This variant has not been reported in the literature in individuals affected with MYH7-related conditions. Advanced modeling of protein sequence and biophysical properties (such as structural, functional, and spatial information, amino acid conservation, physicochemical variation, residue mobility, and thermodynamic stability) performed at Invitae indicates that this missense variant is expected to disrupt MYH7 protein function with a positive predictive value of 95%. In summary, the available evidence is currently insufficient to determine the role of this variant in disease. Therefore, it has been classified as a Variant of Uncertain Significance.